The following is an entry in ClinVar:

NM_020987.5(ANK3):c.3163C>T (p.Gln1055Ter)

Gene: ANK3 (ankyrin 3; minus strand). Cytogenetic location: 10q21.2.
Variant type: single nucleotide variant.
Coding change: c.3163C>T on transcript NM_020987.5 (MANE Select); coding-DNA position 3163, C replaced by T.
Protein change: p.Gln1055Ter; replaces glutamine 1055 with a stop codon.
Molecular consequence: nonsense.
Genome position (GRCh38, 1-based): chr10:60,108,840, G>A on the plus strand (C>T on the coding strand, the complement: ANK3 is on the minus strand). VCF-style: chr10-60108840-G-A. GRCh37 (hg19) VCF-style: chr10-61868598-G-A.
Other names: c.565C>T, p.Gln189Ter (NM_001149.4); c.3145C>T, p.Gln1049Ter (NM_001204403.2); c.3166C>T, p.Gln1056Ter (NM_001204404.2); c.3163C>T, p.Gln1055Ter (NM_001320874.2); short protein forms Q1049*, Q1055*, Q1056*, Q189*.
Identifiers: ClinVar variation 4531485 (VCV004531485.1).

ClinVar aggregate classification (germline): Pathogenic (1 of 4 stars; one submission).

Conditions:
Neurodevelopmental disorder. Identifiers: MedGen C1535926, MeSH D065886, MONDO:0700092.

Submission:

Victorian Clinical Genetics Services, Murdoch Childrens Research Institute
Classification: Pathogenic for Neurodevelopmental disorder. Last evaluated: 2025-03-11. Review status: criteria provided, single submitter. Criteria: ACMG Guidelines, 2015. Collection method: clinical testing. Allele origin: germline. Affected: yes.
Comment: This variant is classified as Pathogenic. Evidence in support of pathogenic classification: Variant is predicted to cause nonsense-mediated decay (NMD) and loss of protein (premature termination codon is located at least 54 nucleotides upstream of the final exon-exon junction); Variant is absent from gnomAD (v2, v3 and v4); Other NMD-predicted variant(s) comparable to the one identified in this case have very strong previous evidence for pathogenicity. Multiple NMD-predicted variants have been reported in individuals with features of a neurodevelopmental disorder (PMID: 38988293, DECIPHER); Additional information: This variant is heterozygous; This gene is associated with both recessive and dominant disease (PMID: 38988293); This variant has no previous evidence of pathogenicity; No published segregation evidence has been identified for this variant; No published functional evidence has been identified for this variant; Loss of function is a known mechanism of disease in this gene and is associated with neurodevelopmental disorder (MONDO:0700092), ANK3-related.

Literature cited by the submitters: PubMed 38988293.